The following is an entry in ClinVar:

ClinVar aggregate classification (germline): Uncertain significance (1 of 4 stars; one submission).

gnomAD v4.1: 2 of 1,614,130 alleles (0.00012%); highest among the groups gnomAD compares: Non-Finnish European, 0.00017%; no homozygotes.

Submission:

Ambry Genetics
Classification: Uncertain significance. Last evaluated: 2025-04-25. Review status: criteria provided, single submitter. Criteria: Ambry Variant Classification Scheme 2023. Collection method: clinical testing. Allele origin: germline.
Comment: The p.K372N variant (also known as c.1116A>T), located in coding exon 1 of the TET2 gene, results from an A to T substitution at nucleotide position 1116. The lysine at codon 372 is replaced by asparagine, an amino acid with similar properties. This amino acid position is conserved. In addition, this alteration is predicted to be tolerated by in silico analysis. Based on the available evidence, the clinical significance of this variant remains unclear.

NM_001127208.3(TET2):c.1116A>T (p.Lys372Asn)

Genes: TET2 (tet methylcytosine dioxygenase 2; plus strand), TET2-AS1 (TET2 antisense RNA 1; minus strand). Cytogenetic location: 4q24.
Variant type: single nucleotide variant.
Coding change: c.1116A>T on transcript NM_001127208.3 (MANE Select); coding-DNA position 1116, A replaced by T.
Protein change: p.Lys372Asn; replaces lysine 372 with asparagine.
Molecular consequence: missense variant.
Genome position (GRCh38, 1-based): chr4:105,235,058, A>T. VCF-style: chr4-105235058-A-T. GRCh37 (hg19) VCF-style: chr4-106156215-A-T.
Other names: c.1116A>T, p.Lys372Asn (NM_017628.4); short protein forms K372N.
Identifiers: ClinVar variation 3967591 (VCV003967591.1).